The following is an entry in ClinVar:

NM_030912.3(TRIM8):c.1051C>T (p.Pro351Ser)

Gene: TRIM8 (tripartite motif containing 8; plus strand). Cytogenetic location: 10q24.32.
Variant type: single nucleotide variant.
Coding change: c.1051C>T on transcript NM_030912.3 (MANE Select); coding-DNA position 1051, C replaced by T.
Protein change: p.Pro351Ser; replaces proline 351 with serine.
Molecular consequence: missense variant. On other transcripts: non-coding transcript variant (1).
Genome position (GRCh38, 1-based): chr10:102,656,749, C>T. VCF-style: chr10-102656749-C-T. GRCh37 (hg19) VCF-style: chr10-104416506-C-T.
Other names: c.955C>T, p.Pro319Ser (NM_001345950.1); short protein forms P351S, P319S.
Identifiers: ClinVar variation 2010076 (VCV002010076.4), dbSNP rs2492914770, ClinGen allele CA377931025.

ClinVar aggregate classification (germline): Uncertain significance (1 of 4 stars; one submission).

Submission:

Labcorp Genetics (formerly Invitae), Labcorp
Classification: Uncertain significance. Last evaluated: 2022-06-24. Review status: criteria provided, single submitter. Criteria: Invitae Variant Classification Sherloc (09022015). Collection method: clinical testing. Allele origin: germline.
Comment: In summary, the available evidence is currently insufficient to determine the role of this variant in disease. Therefore, it has been classified as a Variant of Uncertain Significance. Algorithms developed to predict the effect of missense changes on protein structure and function output the following: SIFT: "Deleterious"; PolyPhen-2: "Probably Damaging"; Align-GVGD: "Class C65". The serine amino acid residue is found in multiple mammalian species, which suggests that this missense change does not adversely affect protein function. This variant has not been reported in the literature in individuals affected with TRIM8-related conditions. This variant is not present in population databases (gnomAD no frequency). This sequence change replaces proline, which is neutral and non-polar, with serine, which is neutral and polar, at codon 351 of the TRIM8 protein (p.Pro351Ser).